The following is an entry in ClinVar:

NM_006059.4(LAMC3):c.4535_4536delinsAG (p.Leu1512Gln)

Gene: LAMC3 (laminin subunit gamma 3; plus strand). Cytogenetic location: 9q34.12.
Variant type: Indel.
Coding change: c.4535_4536delinsAG on transcript NM_006059.4 (MANE Select); coding-DNA positions 4535 to 4536, TA replaced by AG.
Protein change: p.Leu1512Gln; replaces leucine 1512 with glutamine.
Molecular consequence: missense variant.
Genome position (GRCh38, 1-based): chr9:131,091,594-131,091,595, TA replaced by AG. VCF-style: chr9-131091594-TA-AG. GRCh37 (hg19) VCF-style: chr9-133966981-TA-AG.
Other names: short protein forms L1512Q.
Identifiers: ClinVar variation 2073106 (VCV002073106.1), dbSNP rs2538333826, ClinGen allele CA2580079825.
Genomic context (GRCh38, chr9:131,091,594, plus strand): 5'-CAGGGTCGCTGGACACCCATCAAGCCCCAGCCCAGGCCCTGAACGAGACTCAGTGGGCAC[TA>AG]GAACGCCTGAGGCTGCAGCTGGGCTCCCCGGGGTCCTTGCAGAGGAAACTCAGTCTGCTG-3'
Protein context (NP_006050.3, residues 1502-1522): AQALNETQWA[Leu1512Gln]ERLRLQLGSP

ClinVar aggregate classification (germline): Uncertain significance (1 of 4 stars; one submission).

Submission:

Labcorp Genetics (formerly Invitae), Labcorp
Classification: Uncertain significance. Last evaluated: 2022-07-06. Review status: criteria provided, single submitter. Criteria: Invitae Variant Classification Sherloc (09022015). Collection method: clinical testing. Allele origin: germline.
Comment: This sequence change replaces leucine, which is neutral and non-polar, with glutamine, which is neutral and polar, at codon 1512 of the LAMC3 protein (p.Leu1512Gln). This variant is present in population databases (no rsID available, gnomAD 0.05%). This variant has not been reported in the literature in individuals affected with LAMC3-related conditions. Algorithms developed to predict the effect of missense changes on protein structure and function are either unavailable or do not agree on the potential impact of this missense change (SIFT: "Not Available"; PolyPhen-2: "Probably Damaging"; Align-GVGD: "Not Available"). In summary, the available evidence is currently insufficient to determine the role of this variant in disease. Therefore, it has been classified as a Variant of Uncertain Significance.